The following is an entry in ClinVar:

ClinVar aggregate classification (germline): Uncertain significance (1 of 4 stars; one submission).

Conditions:
Hereditary cancer-predisposing syndrome. Also called: Neoplastic Syndromes, Hereditary; Tumor predisposition; Hereditary neoplastic syndrome; Hereditary Cancer Syndrome. Identifiers: Orphanet 140162, MedGen C0027672, MeSH D009386, MONDO:0015356.

Submission:

Ambry Genetics
Classification: Uncertain significance for Hereditary cancer-predisposing syndrome. Last evaluated: 2026-07-22. Review status: criteria provided, single submitter. Criteria: Ambry Variant Classification Scheme 2023. Collection method: clinical testing. Allele origin: germline.
Comment: The p.E402D variant (also known as c.1206A>C), located in coding exon 14 of the CDC73 gene, results from an A to C substitution at nucleotide position 1206. The glutamic acid at codon 402 is replaced by aspartic acid, an amino acid with highly similar properties. This amino acid position is conserved. In addition, the in silico prediction for this alteration is inconclusive. Based on the available evidence, the clinical significance of this variant remains unclear.

NM_024529.5(CDC73):c.1206A>C (p.Glu402Asp)

Gene: CDC73 (cell division cycle 73; plus strand). Cytogenetic location: 1q31.2.
Variant type: single nucleotide variant.
Coding change: c.1206A>C on transcript NM_024529.5 (MANE Select); coding-DNA position 1206, A replaced by C.
Protein change: p.Glu402Asp; replaces glutamic acid 402 with aspartic acid.
Molecular consequence: missense variant.
Genome position (GRCh38, 1-based): chr1:193,233,044, A>C. VCF-style: chr1-193233044-A-C. GRCh37 (hg19) VCF-style: chr1-193202174-A-C.
Other names: short protein forms E402D.
Identifiers: ClinVar variation 5033841 (VCV005033841.1).